The following is an entry in ClinVar:

NM_001322934.2(NFKB2):c.243+6C>G

Gene: NFKB2 (nuclear factor kappa B subunit 2; plus strand). Cytogenetic location: 10q24.32.
Variant type: single nucleotide variant.
Coding change: c.243+6C>G on transcript NM_001322934.2 (MANE Select); 6 bases into the intron after coding-DNA position 243, C replaced by G.
Molecular consequence: intron variant.
Genome position (GRCh38, 1-based): chr10:102,396,829, C>G. VCF-style: chr10-102396829-C-G. GRCh37 (hg19) VCF-style: chr10-104156586-C-G.
Other names: c.243+6C>G (NM_001288724.1, NM_001322935.1, NM_001077494.3 and 2 more transcripts).
Identifiers: ClinVar variation 2013540 (VCV002013540.4), dbSNP rs1331412923, ClinGen allele CA2580081243.

ClinVar aggregate classification (germline): Uncertain significance (1 of 4 stars; one submission).

Conditions:
Immunodeficiency, common variable, 10. Also called: IMMUNODEFICIENCY, COMMON VARIABLE, WITH CENTRAL ADRENAL INSUFFICIENCY; DEFICIT IN ANTERIOR PITUITARY FUNCTION AND VARIABLE IMMUNODEFICIENCY. Identifiers: MedGen C3809991, MONDO:0014260, OMIM 615577.

Allele frequency attached by ClinVar (database versions not stated): gnomAD exomes 0.00001.

Submission:

Labcorp Genetics (formerly Invitae), Labcorp
Classification: Uncertain significance for Immunodeficiency, common variable, 10. Last evaluated: 2022-07-14. Review status: criteria provided, single submitter. Criteria: Invitae Variant Classification Sherloc (09022015). Collection method: clinical testing. Allele origin: germline.
Comment: In summary, the available evidence is currently insufficient to determine the role of this variant in disease. Therefore, it has been classified as a Variant of Uncertain Significance. Variants that disrupt the consensus splice site are a relatively common cause of aberrant splicing (PMID: 17576681, 9536098). Algorithms developed to predict the effect of sequence changes on RNA splicing suggest that this variant is not likely to affect RNA splicing. This variant has not been reported in the literature in individuals affected with NFKB2-related conditions. This variant is not present in population databases (gnomAD no frequency). This sequence change falls in intron 5 of the NFKB2 gene. It does not directly change the encoded amino acid sequence of the NFKB2 protein. It affects a nucleotide within the consensus splice site.

Literature cited by the submitters: PubMed 17576681; PubMed 9536098.